The following is an entry in ClinVar:

ClinVar aggregate classification (germline): Pathogenic/Likely pathogenic. Review status: criteria provided, multiple submitters, no conflicts (2 of 4 stars). 6 submissions from 6 submitters: Pathogenic (4); Likely pathogenic (1). 1 of the submissions does not count toward it. Last evaluated 2024-08-05.

Conditions:
ATP1A2-related disorder. Also called: ATP1A2-RELATED DISORDERS; ATP1A2-related condition.
Inborn genetic diseases. Identifiers: MedGen C0950123, MeSH D030342.
Familial hemiplegic migraine. Identifiers: MedGen C0338484, MONDO:0000700.
Migraine, familial hemiplegic, 2. Identifiers: Orphanet 569, MedGen C1865322, MONDO:0011232, OMIM 602481.

Allele frequency attached by ClinVar (database versions not stated): gnomAD exomes below 0.00001; ExAC 0.00001.

Submissions (6):

GeneDx
Classification: Pathogenic. Last evaluated: 2024-08-05. Review status: criteria provided, single submitter. Criteria: GeneDx Variant Classification Process June 2021. Collection method: clinical testing. Allele origin: germline. Affected: yes.
Comment: Published functional studies demonstrate a damaging effect and show that this variant results in loss of function and affects sodium-potassium pump functioning (PMID: 18728015, 17952365); Not observed at significant frequency in large population cohorts (gnomAD); In silico analysis supports that this missense variant has a deleterious effect on protein structure/function; This variant is associated with the following publications: (PMID: 16088919, 17952365, 28717674, 18184292, 18728015)

Blueprint Genetics
Classification: Pathogenic for ATP1A2-related disorders. Last evaluated: 2021-05-13. Review status: criteria provided, single submitter. Criteria: ACMG Guidelines, 2015. Collection method: clinical testing. Allele origin: germline. Affected: yes. Observed: 3 variant alleles.

Revvity Omics, Revvity
Classification: Likely pathogenic. Last evaluated: 2019-07-18. Review status: criteria provided, single submitter. Criteria: ACMG Guidelines, 2015. Collection method: clinical testing. Allele origin: germline.

Ambry Genetics
Classification: Pathogenic for Inborn genetic diseases. Last evaluated: 2019-05-19. Review status: criteria provided, single submitter. Criteria: Ambry Variant Classification Scheme 2023. Collection method: clinical testing. Allele origin: germline.
Comment: The p.T376M pathogenic mutation (also known as c.1127C>T), located in coding exon 9 of the ATP1A2 gene, results from a C to T substitution at nucleotide position 1127. The threonine at codon 376 is replaced by methionine, an amino acid with similar properties. This mutation was identified in multiple affected individuals with familial hemiplegic migraine and was shown to segregate with disease in 3 families (Riant F et al. Hum. Mutat., 2005 Sep;26:281; Castro MJ et al. J. Hum. Genet., 2007 Oct;52:990-8). Based on the supporting evidence, this alteration is interpreted as a disease-causing mutation.

Labcorp Genetics (formerly Invitae), Labcorp
Classification: Pathogenic for Familial hemiplegic migraine. Last evaluated: 2019-05-16. Review status: criteria provided, single submitter. Criteria: Invitae Variant Classification Sherloc (09022015). Collection method: clinical testing. Allele origin: germline.
Comment: This variant has been observed to segregate with familial hemiplegic migraine in families (PMID: PMID: 16088919, 17952365). ClinVar contains an entry for this variant (Variation ID: 12930). For these reasons, this variant has been classified as Pathogenic. This variant has been reported to affect ATP1A2 protein function (PMID: 18728015). This variant is present in population databases (rs121918620, ExAC 0.001%). This sequence change replaces threonine with methionine at codon 376 of the ATP1A2 protein (p.Thr376Met). The threonine residue is highly conserved and there is a moderate physicochemical difference between threonine and methionine.

OMIM
Classification: Pathogenic for MIGRAINE, FAMILIAL HEMIPLEGIC, 2. Last evaluated: 2007-01-01. Review status: no assertion criteria provided. Collection method: literature only. Allele origin: germline. Not counted in ClinVar's aggregate classification.

Literature cited by the submitters: PubMed 16088919 (cited by Ambry Genetics and Labcorp Genetics (formerly Invitae), Labcorp); PubMed 17952365 (cited by 3 submitters); PubMed 18728015 (cited by Labcorp Genetics (formerly Invitae), Labcorp).

NM_000702.4(ATP1A2):c.1127C>T (p.Thr376Met)

Gene: ATP1A2 (ATPase Na+/K+ transporting subunit alpha 2; plus strand). Cytogenetic location: 1q23.2.
Variant type: single nucleotide variant.
Coding change: c.1127C>T on transcript NM_000702.4 (MANE Select); coding-DNA position 1127, C replaced by T.
Protein change: p.Thr376Met; replaces threonine 376 with methionine.
Molecular consequence: missense variant.
Genome position (GRCh38, 1-based): chr1:160,128,761, C>T. VCF-style: chr1-160128761-C-T. GRCh37 (hg19) VCF-style: chr1-160098551-C-T.
Other names: short protein forms T376M.
Identifiers: ClinVar variation 12930 (VCV000012930.19), dbSNP rs121918620, ClinGen allele CA256656.
Genomic context (GRCh38, chr1:160,128,761, plus strand): 5'-TGAAGAACCTGGAGGCGGTGGAGACGCTGGGCTCCACGTCCACCATCTGCTCGGACAAGA[C>T]GGGCACCCTCACCCAGAACCGCATGACCGTCGCCCACATGTGGTTCGACAACCAAATCCA-3'
Protein context (NP_000693.1, residues 366-386): GSTSTICSDK[Thr376Met]GTLTQNRMTV